The following is an entry in ClinVar:

ClinVar aggregate classification (germline): Pathogenic/Likely pathogenic. Review status: criteria provided, multiple submitters, no conflicts (2 of 4 stars). 2 submissions from 2 submitters: Pathogenic (1); Likely pathogenic (1). Last evaluated 2025-05-08.

Conditions:
Retinitis pigmentosa 3. Also called: CHOROIDORETINAL DEGENERATION WITH RETINAL REFLEX IN HETEROZYGOUS WOMEN. Identifiers: Orphanet 791, MedGen C1845667, MONDO:0010227, OMIM 300029.
RPGR-related disorder. Also called: RPGR-related condition.

Submissions (2):

3billion
Classification: Likely pathogenic for Retinitis pigmentosa 3. Last evaluated: 2025-05-08. Review status: criteria provided, single submitter. Criteria: ACMG Guidelines, 2015. Collection method: clinical testing. Allele origin: germline. Affected: yes.
Comment: The variant is not observed in the gnomAD v4.1.0 dataset. Predicted Consequence/Location: Frameshift: predicted to result in a loss or disruption of normal protein function through protein truncation. Multiple pathogenic variants are reported in the predicted truncated region. The variant has been reported to be associated with RPGR-related disorder (ClinVar ID: VCV000975144 /3billion dataset). Therefore, this variant is classified as Likely pathogenic according to the recommendation of ACMG/AMP guideline.

Blueprint Genetics
Classification: Pathogenic for RPGR-related disorders. Last evaluated: 2022-02-03. Review status: criteria provided, single submitter. Criteria: ACMG Guidelines, 2015. Collection method: clinical testing. Allele origin: germline. Affected: yes. Observed: 5 variant alleles.

NM_001034853.2(RPGR):c.2362_2366del (p.Glu788fs)

Gene: RPGR (retinitis pigmentosa GTPase regulator; minus strand). Cytogenetic location: Xp11.4.
Variant type: Deletion.
Coding change: c.2362_2366del on transcript NM_001034853.2 (MANE Select); coding-DNA positions 2362 to 2366, 5 bases deleted (GAGGA; older notation c.2362_2366delGAGGA).
Protein change: p.Glu788fs; shifts the reading frame from glutamic acid 788.
Molecular consequence: frameshift variant. On other transcripts: intron variant (8).
Genome position (GRCh38, 1-based): chrX:38,286,633-38,286,637, TCCTC deleted on the plus strand (GAGGA on the coding strand, the reverse complement: RPGR is on the minus strand); deleting any 5 consecutive bases within chrX:38,286,633-38,286,641 gives the same sequence; the c. name uses the placement nearest the transcript's 3' end. VCF-style (leftmost placement, unchanged base first): chrX-38286632-TTCCTC-T. GRCh37 (hg19) VCF-style: chrX-38145885-TTCCTC-T.
Other names: c.1902+457_1902+461del (NM_001367245.1); c.1386+4322_1386+4326del (NM_001367251.1); c.1719+457_1719+461del (NM_001367246.1); c.1572+4322_1572+4326del (NM_001367247.1); c.1905+457_1905+461del (NM_000328.3); c.1602+4322_1602+4326del (NM_001367248.1); c.1569+4322_1569+4326del (NM_001367249.1, NM_001367250.1); short protein forms E788fs.
Identifiers: ClinVar variation 975144 (VCV000975144.4), dbSNP rs2067184362, ClinGen allele CA1139667426.
Genomic context (GRCh38, chrX:38,286,632, plus strand): 5'-CTCTTTTTCCTCCCCTCTCCCCTCTGTTTCCTCCTCTTCCCCCTCTCCTTGGTCTCCTTC[TTCCTC>T]TCCTTTCTCCTCCTTCCCCGCTCTTTCCTCCTTTTTCCTCTCTCCTTCCTCCTTTTCACG-3'